The following is an entry in ClinVar:

NM_001393797.1(ABCC12):c.3715-5T>G

Gene: ABCC12 (ATP binding cassette subfamily C member 12; minus strand). Cytogenetic location: 16q12.1.
Variant type: single nucleotide variant.
Coding change: c.3715-5T>G on transcript NM_001393797.1 (MANE Select); 5 bases into the intron before coding-DNA position 3715, T replaced by G.
Molecular consequence: intron variant.
Genome position (GRCh38, 1-based): chr16:48,085,711, A>C on the plus strand (T>G on the coding strand, the complement: ABCC12 is on the minus strand). VCF-style: chr16-48085711-A-C. GRCh37 (hg19) VCF-style: chr16-48119622-A-C.
Other names: NC_000016.9:g.48119622A>C; c.3715-5T>G (NM_033226.3, NM_033226.2); c.244-5T>G (NM_001393798.1); c.337-5T>G (NM_001393799.1).
Identifiers: ClinVar variation 4412340 (VCV004412340.2).

ClinVar aggregate classification (germline): Likely benign (1 of 4 stars; one submission).

Conditions:
ABCC12-related condition.

gnomAD v4.1: 157 of 1,607,278 alleles (0.0098%); highest among the groups gnomAD compares: East Asian, 0.29%; no homozygotes.

Submissions (2):

PreventionGenetics, part of Exact Sciences
Classification: Likely benign for ABCC12-related condition. Last evaluated: 2026-01-07. Review status: criteria provided, single submitter. Criteria: ACMG Guidelines, 2015. Collection method: clinical testing. Allele origin: germline.
Comment: This variant is classified as likely benign based on ACMG/AMP sequence variant interpretation guidelines (Richards et al. 2015 PMID: 25741868, with internal and published modifications).

Dr. Peter K. Rogan Lab, Western University
No classification provided (evidence only). Condition: Familial cancer of breast. Review status: no classification provided. Collection method: in vitro. Allele origin: not applicable. Functional consequence: retained intron. Not counted in ClinVar's aggregate classification.